The following is an entry in ClinVar:

NM_001556.3(IKBKB):c.-64C>T

Genes: IKBKB (inhibitor of nuclear factor kappa B kinase subunit beta; plus strand), LOC130000299 (ATAC-STARR-seq lymphoblastoid silent region 19154; plus strand). Cytogenetic location: 8p11.21.
Variant type: single nucleotide variant.
Coding change: c.-64C>T on transcript NM_001556.3 (MANE Select); 64 bases upstream of the start codon, C replaced by T.
Molecular consequence: 5 prime UTR variant. On other transcripts: non-coding transcript variant (3).
Genome position (GRCh38, 1-based): chr8:42,271,424, C>T. VCF-style: chr8-42271424-C-T. GRCh37 (hg19) VCF-style: chr8-42128942-C-T.
Other names: c.-133C>T (NM_001190720.3); c.-146C>T (NM_001242778.2).
Identifiers: ClinVar variation 1245244 (VCV001245244.5), dbSNP rs12545246, ClinGen allele CA4731516.
Genomic context (GRCh38, chr8:42,271,424, plus strand): 5'-CATTTTAATGTTTTCAGGGGGGTGTCATAGCCCCGGGTTTGGCCGCCCCAGCCCCGCCTT[C>T]CCCGCCCCGGGGAGCCCGCCCCCTGCCCCGCGTCCCTGCCGACAGGTGAGTCCCCCTCGT-3'

ClinVar aggregate classification (germline): Benign. Review status: criteria provided, multiple submitters, no conflicts (2 of 4 stars). 3 submissions from 3 submitters: Benign (3). Last evaluated 2024-01-24.

Allele frequency attached by ClinVar (database versions not stated): ExAC 0.01663; 1000 Genomes Project 0.01937; gnomAD 0.02125 and 0.02157; 1000 Genomes Project 30x 0.02202; TOPMed 0.02476.

Submissions (3):

Unidad de Genómica Garrahan, Hospital de Pediatría Garrahan
Classification: Benign. Last evaluated: 2024-01-24. Review status: criteria provided, single submitter. Criteria: ACMG Guidelines, 2015. Collection method: clinical testing. Allele origin: germline. Affected: no. Observed: 21 variant alleles.
Comment: This variant is classified as Benign based on local population frequency. This variant was detected in 24% of patients studied by a panel of primary immunodeficiencies. Number of patients: 21. Only high quality variants are reported.

GeneDx
Classification: Benign. Last evaluated: 2021-06-19. Review status: criteria provided, single submitter. Criteria: GeneDx Variant Classification Process June 2021. Collection method: clinical testing. Allele origin: germline. Affected: yes.

Breakthrough Genomics
Classification: Benign. Review status: criteria provided, single submitter. Criteria: ACMG Guidelines, 2015. Collection method: not provided. Allele origin: germline. Inheritance: Autosomal recessive inheritance. Affected: yes.